The following is an entry in ClinVar:

NM_000264.5(PTCH1):c.2995A>G (p.Ser999Gly)

Gene: PTCH1 (patched 1; minus strand). Cytogenetic location: 9q22.32.
Variant type: single nucleotide variant.
Coding change: c.2995A>G on transcript NM_000264.5 (MANE Select); coding-DNA position 2995, A replaced by G.
Protein change: p.Ser999Gly; replaces serine 999 with glycine.
Molecular consequence: missense variant. On other transcripts: non-coding transcript variant (1).
Genome position (GRCh38, 1-based): chr9:95,458,186, T>C on the plus strand (A>G on the coding strand, the complement: PTCH1 is on the minus strand). VCF-style: chr9-95458186-T-C. GRCh37 (hg19) VCF-style: chr9-98220468-T-C.
Other names: c.2797A>G, p.Ser933Gly (NM_001083602.3); c.2992A>G, p.Ser998Gly (NM_001083603.3); c.2542A>G, p.Ser848Gly (NM_001083604.3, NM_001083605.3, NM_001083606.3 and 1 more transcripts); c.2839A>G, p.Ser947Gly (NM_001354918.2); short protein forms S933G, S848G, S947G, S999G, S998G.
Identifiers: ClinVar variation 4764917 (VCV004764917.2).

ClinVar aggregate classification (germline): Uncertain significance. Review status: criteria provided, multiple submitters, no conflicts (2 of 4 stars). 2 submissions from 2 submitters: Uncertain significance (2). Last evaluated 2026-02-16.

Conditions:
Gorlin syndrome. Also called: Nevoid Basal Cell Carcinoma Syndrome; Basal cell nevus syndrome. Identifiers: Orphanet 377, MedGen C0004779, MONDO:0007187.
Hereditary cancer-predisposing syndrome. Also called: Neoplastic Syndromes, Hereditary; Hereditary neoplastic syndrome; Tumor predisposition; Hereditary Cancer Syndrome. Identifiers: Orphanet 140162, MedGen C0027672, MeSH D009386, MONDO:0015356.

Submissions (2):

Ambry Genetics
Classification: Uncertain significance for Hereditary cancer-predisposing syndrome. Last evaluated: 2026-02-16. Review status: criteria provided, single submitter. Criteria: Ambry Variant Classification Scheme 2023. Collection method: clinical testing. Allele origin: germline.
Comment: The p.S999G variant (also known as c.2995A>G), located in coding exon 18 of the PTCH1 gene, results from an A to G substitution at nucleotide position 2995. The serine at codon 999 is replaced by glycine, an amino acid with similar properties. This amino acid position is conserved. In addition, this alteration is predicted to be tolerated by in silico analysis. Based on the available evidence, the clinical significance of this variant remains unclear.

Labcorp Genetics (formerly Invitae), Labcorp
Classification: Uncertain significance for Gorlin syndrome. Last evaluated: 2025-05-07. Review status: criteria provided, single submitter. Criteria: Invitae Variant Classification Sherloc (09022015). Collection method: clinical testing. Allele origin: germline.
Comment: This sequence change replaces serine, which is neutral and polar, with glycine, which is neutral and non-polar, at codon 999 of the PTCH1 protein (p.Ser999Gly). This variant is not present in population databases (gnomAD no frequency). This variant has not been reported in the literature in individuals affected with PTCH1-related conditions. Invitae Evidence Modeling of protein sequence and biophysical properties (such as structural, functional, and spatial information, amino acid conservation, physicochemical variation, residue mobility, and thermodynamic stability) indicates that this missense variant is not expected to disrupt PTCH1 protein function with a negative predictive value of 95%. In summary, the available evidence is currently insufficient to determine the role of this variant in disease. Therefore, it has been classified as a Variant of Uncertain Significance.